The following is an entry in ClinVar:

ClinVar aggregate classification (germline): Uncertain significance (1 of 4 stars; one submission).

gnomAD v4.1: 11 of 1,612,742 alleles (0.00068%); highest among the groups gnomAD compares: East Asian, 0.0067%; no homozygotes.

Submission:

Labcorp Genetics (formerly Invitae), Labcorp
Classification: Uncertain significance. Last evaluated: 2023-01-06. Review status: criteria provided, single submitter. Criteria: Invitae Variant Classification Sherloc (09022015). Collection method: clinical testing. Allele origin: germline.
Comment: In summary, the available evidence is currently insufficient to determine the role of this variant in disease. Therefore, it has been classified as a Variant of Uncertain Significance. Variants that disrupt the consensus splice site are a relatively common cause of aberrant splicing (PMID: 17576681, 9536098). Algorithms developed to predict the effect of sequence changes on RNA splicing suggest that this variant is not likely to affect RNA splicing. This variant has not been reported in the literature in individuals affected with LONP1-related conditions. This variant is present in population databases (rs370718882, gnomAD 0.01%). This sequence change falls in intron 11 of the LONP1 gene. It does not directly change the encoded amino acid sequence of the LONP1 protein. It affects a nucleotide within the consensus splice site.

Literature cited by the submitters: PubMed 17576681; PubMed 9536098.

NM_004793.4(LONP1):c.1773+4C>G

Gene: LONP1 (lon peptidase 1, mitochondrial; minus strand). Cytogenetic location: 19p13.3.
Variant type: single nucleotide variant.
Coding change: c.1773+4C>G on transcript NM_004793.4 (MANE Select); 4 bases into the intron after coding-DNA position 1773, C replaced by G.
Molecular consequence: intron variant.
Genome position (GRCh38, 1-based): chr19:5,696,666, G>C on the plus strand (C>G on the coding strand, the complement: LONP1 is on the minus strand). VCF-style: chr19-5696666-G-C. GRCh37 (hg19) VCF-style: chr19-5696677-G-C.
Other names: c.1185+4C>G (NM_001276480.1); c.1581+4C>G (NM_001276479.2).
Identifiers: ClinVar variation 2701217 (VCV002701217.3), dbSNP rs370718882, ClinGen allele CA9114522.
Genomic context (GRCh38, chr19:5,696,666, plus strand): 5'-GCTCGGCTTCATCTTGCACACGGCATTGCCGGGTTAGGGGGTCTCCGGGCCTCTCCGCAC[G>C]CACCTCGTCGATGAGGATCAGGGGGTTCTCCGTCTTGGTCTTCTTCAAACACTGGATGAT-3'